The following is an entry in ClinVar:

NM_000219.6(KCNE1):c.331A>T (p.Asn111Tyr)

Gene: KCNE1 (potassium voltage-gated channel subfamily E regulatory subunit 1; minus strand). Cytogenetic location: 21q22.12.
Variant type: single nucleotide variant.
Coding change: c.331A>T on transcript NM_000219.6 (MANE Select); coding-DNA position 331, A replaced by T.
Protein change: p.Asn111Tyr; replaces asparagine 111 with tyrosine.
Molecular consequence: missense variant.
Genome position (GRCh38, 1-based): chr21:34,449,304, T>A on the plus strand (A>T on the coding strand, the complement: KCNE1 is on the minus strand). VCF-style: chr21-34449304-T-A. GRCh37 (hg19) VCF-style: chr21-35821602-T-A.
Other names: c.331A>T, p.Asn111Tyr (NM_001127668.4, NM_001127669.4, NM_001127670.4 and 4 more transcripts); short protein forms N111Y.
Identifiers: ClinVar variation 3374661 (VCV003374661.2).

Conditions:
Long QT syndrome 5 (LQT5). Identifiers: Orphanet 101016, Orphanet 768, MedGen C1867904, MONDO:0013372, OMIM 613695.

Submission:

Roden Lab, Vanderbilt University Medical Center
No classification provided (evidence only). Condition: Long QT syndrome 5. Review status: no classification provided. Collection method: in vitro. Allele origin: not applicable. Functional consequence: Effect on ion channel function.
ClinVar note: "not provided" was previously submitted as the classification for the variant. However, the classification appeared to be based only on an observation of functional data so it was converted to no classification on 2025-07-30.